The following is an entry in ClinVar:

ClinVar aggregate classification (germline): Likely pathogenic (1 of 4 stars; one submission).

Allele frequency attached by ClinVar (database versions not stated): gnomAD exomes below 0.00001 and 0.00001.

Submission:

GeneDx
Classification: Likely pathogenic. Last evaluated: 2018-07-06. Review status: criteria provided, single submitter. Criteria: GeneDx Variant Classification (06012015). Collection method: clinical testing. Allele origin: germline. Affected: yes.
Comment: The c.1780_1781delCT variant in the PRMT7 gene has not been reported previously as a pathogenic variant nor as a benign variant, to our knowledge. The c.1780_1781delCT variant causes a frameshift starting with codon Leucine 594, changes this amino acid to a Valine residue, and creates a premature Stop codon at position 105 of the new reading frame, denoted p.Leu594ValfsX105. This variant is predicted to cause abnormal protein function, as the last 99 amino acids are lost and replaced with 104 incorrect amino acids. The c.1780_1781delCT variant is observed in 2/30,536 (0.007%) alleles from individuals of South Asian background, with no homozygous individuals reported, in large population cohorts (Lek et al., 2016). We interpret c.1780_1781delCT as a likely pathogenic variant.

NM_019023.5(PRMT7):c.1780_1781del (p.Leu594fs)

Gene: PRMT7 (protein arginine methyltransferase 7; plus strand). Cytogenetic location: 16q22.1.
Variant type: Deletion.
Coding change: c.1780_1781del on transcript NM_019023.5 (MANE Select); coding-DNA positions 1780 to 1781, 2 bases deleted (CT; older notation c.1780_1781delCT).
Protein change: p.Leu594fs; shifts the reading frame from leucine 594.
Molecular consequence: frameshift variant. On other transcripts: non-coding transcript variant (12).
Genome position (GRCh38, 1-based): chr16:68,355,852-68,355,853, CT deleted. VCF-style (leftmost placement, unchanged base first): chr16-68355851-CCT-C. GRCh37 (hg19) VCF-style: chr16-68389754-CCT-C.
Other names: c.1630_1631del, p.Leu544fs (NM_001184824.4); c.1780_1781del, p.Leu594fs (NM_001290018.2, NM_001351143.3, NM_001378018.1); c.1783_1784del, p.Leu595fs (NM_001351144.3); c.1573_1574del, p.Leu525fs (NM_001378020.1); c.1543_1544del, p.Leu515fs (NM_001378021.1, NM_001378022.1, NM_001378023.1); short protein forms L525fs, L544fs, L515fs, L594fs, L595fs.
Identifiers: ClinVar variation 817707 (VCV000817707.1), dbSNP rs1390386790, ClinGen allele CA623156604.